The following is an entry in ClinVar:

NM_145207.3(AFG2A):c.1574_1578del (p.Asn525fs)

Gene: AFG2A (AAA ATPase AFG2A; plus strand). Cytogenetic location: 4q28.1.
Variant type: Deletion.
Coding change: c.1574_1578del on transcript NM_145207.3 (MANE Select); coding-DNA positions 1574 to 1578, 5 bases deleted (ATGCT; older notation c.1574_1578delATGCT).
Protein change: p.Asn525fs; shifts the reading frame from asparagine 525.
Molecular consequence: frameshift variant.
Genome position (GRCh38, 1-based): chr4:122,947,348-122,947,352, ATGCT deleted. VCF-style (leftmost placement, unchanged base first): chr4-122947347-AATGCT-A. GRCh37 (hg19) VCF-style: chr4-123868502-AATGCT-A.
Other names: c.1574_1578delATGCT (NM_145207.3); c.1571_1575del, p.Asn524fs (NM_001317799.2, NM_001345856.2); c.1574_1578del5 (NM_145207.2); short protein forms N525fs, N524fs.
Identifiers: ClinVar variation 203529 (VCV000203529.14), dbSNP rs796051891, ClinGen allele CA312158.

ClinVar aggregate classification (germline): Pathogenic. Review status: criteria provided, multiple submitters, no conflicts (2 of 4 stars). 5 submissions from 5 submitters: Pathogenic (4). 1 of the submissions does not count toward it. Last evaluated 2025-07-24.

Conditions:
AFG2A-related disorder. Also called: AFG2A-related condition.
Syndromic complex neurodevelopmental disorder. Identifiers: MedGen CN372091, MONDO:0800439.
Microcephaly-intellectual disability-sensorineural hearing loss-epilepsy-abnormal muscle tone syndrome (NEDHSB). Also called: NEURODEVELOPMENTAL DISORDER WITH HEARING LOSS, SEIZURES, AND BRAIN ABNORMALITIES. Identifiers: Orphanet 457351, MedGen C4225276, MONDO:0014698, OMIM 616577.

Allele frequency attached by ClinVar (database versions not stated): gnomAD exomes below 0.00001 and 0.00001; gnomAD 0.00003; TOPMed 0.00003.

Submissions (5):

Women's Health and Genetics/Laboratory Corporation of America, LabCorp
Classification: Pathogenic for Microcephaly-intellectual disability-sensorineural hearing loss-epilepsy-abnormal muscle tone syndrome. Last evaluated: 2025-07-24. Review status: criteria provided, single submitter. Criteria: LabCorp Variant Classification Summary - May 2015. Collection method: clinical testing. Allele origin: germline.
Comment: Variant summary: AFG2A c.1574_1578delATGCT (p.Asn525ThrfsX20) results in a premature termination codon, predicted to cause a truncation of the encoded protein or absence of the protein due to nonsense mediated decay, which are commonly known mechanisms for disease. The variant allele was found at a frequency of 4e-06 in 251438 control chromosomes (gnomAD). c.1574_1578delATGCT has been observed in individuals affected with clinical features of Epilepsy, Hearing Loss, And Mental Retardation Syndrome (Tanaka_2015). These data indicate that the variant may be associated with disease. To our knowledge, no experimental evidence demonstrating an impact on protein function has been reported. The following publication have been ascertained in the context of this evaluation (PMID: 26299366). ClinVar contains an entry for this variant (Variation ID: 203529). Based on the evidence outlined above, the variant was classified as pathogenic.

Labcorp Genetics (formerly Invitae), Labcorp
Classification: Pathogenic for Microcephaly-intellectual disability-sensorineural hearing loss-epilepsy-abnormal muscle tone syndrome. Last evaluated: 2025-06-04. Review status: criteria provided, single submitter. Criteria: Invitae Variant Classification Sherloc (09022015). Collection method: clinical testing. Allele origin: germline.
Comment: This sequence change creates a premature translational stop signal (p.Asn525Thrfs*20) in the SPATA5 gene. It is expected to result in an absent or disrupted protein product. Loss-of-function variants in SPATA5 are known to be pathogenic (PMID: 26299366). This variant is present in population databases (rs796051891, gnomAD 0.0009%). This premature translational stop signal has been observed in individual(s) with epilepsy, hearing loss, and mental retardation syndrome (PMID: 26299366). ClinVar contains an entry for this variant (Variation ID: 203529). For these reasons, this variant has been classified as Pathogenic.

PreventionGenetics, part of Exact Sciences
Classification: Pathogenic for AFG2A-related condition. Last evaluated: 2025-02-25. Review status: criteria provided, single submitter. Criteria: ACMG Guidelines, 2015. Collection method: clinical testing. Allele origin: germline.
Comment: The AFG2A c.1574_1578del5 variant is predicted to result in a frameshift and premature protein termination (p.Asn525Thrfs*20). This variant was reported as apparently compound heterozygous in two siblings with hypotonia, spasticity, developmental delay, vision and hearing deficits, microcephaly and thin corpus collosum (described with the legacy gene symbol SPATA5, Tanaka et al. 2015. PubMed ID: 26299366). This variant is reported in 0.00088% of alleles in individuals of European (Non-Finnish) descent in gnomAD. Frameshift variants in AFG2A are expected to be pathogenic. This variant is interpreted as pathogenic.

Department of Pathology and Laboratory Medicine, Sinai Health System
Classification: Pathogenic for syndromic complex neurodevelopmental disorder. Last evaluated: 2023-02-14. Review status: criteria provided, single submitter. Criteria: ACMG Guidelines, 2015. Collection method: research. Allele origin: germline.

OMIM
Classification: Pathogenic for NEURODEVELOPMENTAL DISORDER WITH HEARING LOSS, SEIZURES, AND BRAIN ABNORMALITIES. Last evaluated: 2015-09-03. Review status: no assertion criteria provided. Collection method: literature only. Allele origin: germline. Not counted in ClinVar's aggregate classification.

Literature cited by the submitters: PubMed 26299366 (cited by 3 submitters).